The following is an entry in ClinVar:

NM_004004.6(GJB2):c.428G>C (p.Arg143Pro)

Gene: GJB2 (gap junction protein beta 2; minus strand). Cytogenetic location: 13q12.11.
Variant type: single nucleotide variant.
Coding change: c.428G>C on transcript NM_004004.6 (MANE Select); coding-DNA position 428, G replaced by C.
Protein change: p.Arg143Pro; replaces arginine 143 with proline.
Molecular consequence: missense variant.
Genome position (GRCh38, 1-based): chr13:20,189,154, C>G on the plus strand (G>C on the coding strand, the complement: GJB2 is on the minus strand). VCF-style: chr13-20189154-C-G. GRCh37 (hg19) VCF-style: chr13-20763293-C-G.
Other names: short protein forms R143P.
Identifiers: ClinVar variation 3382854 (VCV003382854.2).

ClinVar aggregate classification (germline): Likely pathogenic (1 of 4 stars; one submission).

Conditions:
Autosomal dominant keratitis-ichthyosis-hearing loss syndrome. Also called: HID SYNDROME; Senter syndrome; KID SYNDROME, AUTOSOMAL DOMINANT. Identifiers: Orphanet 477, MedGen C0265336, MONDO:0007850, OMIM 148210.
Autosomal recessive nonsyndromic hearing loss 1A (DFNB1A). Also called: Nonsyndromic Hearing Loss and Deafness, DFNB1; GJB2-Related Autosomal Recessive Nonsyndromic Hearing Loss; GJB6-Related DFNB 1 Nonsyndromic Hearing Loss and Deafness; Deafness, autosomal recessive 1A; Connexin 26 deafness; Deafness nonsyndromic, Connexin 26 linked. Identifiers: Orphanet 90636, MedGen C2673759, MONDO:0009076, OMIM 220290.
Knuckle pads, deafness AND leukonychia syndrome. Also called: Bart-Pumphrey syndrome. Identifiers: Orphanet 2698, MedGen C0266004, MONDO:0007866, OMIM 149200.
Ichthyosis, hystrix-like, with hearing loss. Also called: Hystrix-like ichthyosis with deafness. Identifiers: Orphanet 477, MedGen C1865234, MONDO:0011245.
Palmoplantar keratoderma-deafness syndrome. Also called: Keratoderma palmoplantar, with deafness; Palmoplantar keratoderma and sensorineural deafness; Hereditary palmoplantar keratoderma with deafness (subtype); Focal palmoplantar keratoderma with sensorineural deafness (subtype); Diffuse palmoplantar keratoderma with deafness (subtype). Identifiers: Orphanet 2202, MedGen C1835672, MONDO:0007852, OMIM 148350.
Mutilating keratoderma (VOWNKL). Also called: Keratoderma hereditarium mutilans. Identifiers: Orphanet 494, MedGen C0265964, MONDO:0007422, OMIM 124500.
Autosomal dominant nonsyndromic hearing loss 3A. Identifiers: Orphanet 90635, MedGen C2675750, MONDO:0011103, OMIM 601544.

Submission:

Juno Genomics, Hangzhou Juno Genomics, Inc
Classification: Likely pathogenic for Knuckle pads, deafness AND leukonychia syndrome; Autosomal dominant nonsyndromic hearing loss 3A; Autosomal recessive nonsyndromic hearing loss 1A; Autosomal dominant keratitis-ichthyosis-hearing loss syndrome; Palmoplantar keratoderma-deafness syndrome; Mutilating keratoderma. Review status: criteria provided, single submitter. Criteria: ACMG Guidelines, 2015. Collection method: clinical testing. Allele origin: germline. Affected: yes.
Comment: Absent from controls (or at extremely low frequency if recessive) in Genome Aggregation Database, Exome Sequencing Project, 1000 Genomes Project, or Exome Aggregation Consortium.;Multiple lines of computational evidence support a deleterious effect on the gene or gene product (conservation, evolutionary, splicing impact, etc).;Novel missense change at an amino acid residue where a different missense change determined to be pathogenic has been seen before.